The following is an entry in ClinVar:

NM_002230.4(JUP):c.1705A>T (p.Ile569Phe)

Gene: JUP (junction plakoglobin; minus strand). Cytogenetic location: 17q21.2.
Variant type: single nucleotide variant.
Coding change: c.1705A>T on transcript NM_002230.4 (MANE Select); coding-DNA position 1705, A replaced by T.
Protein change: p.Ile569Phe; replaces isoleucine 569 with phenylalanine.
Molecular consequence: missense variant.
Genome position (GRCh38, 1-based): chr17:41,758,467, T>A on the plus strand (A>T on the coding strand, the complement: JUP is on the minus strand). VCF-style: chr17-41758467-T-A. GRCh37 (hg19) VCF-style: chr17-39914719-T-A.
Other names: p.I569F:ATC>TTC; c.1705A>T, p.Ile569Phe (NM_001352773.2, NM_001352774.2, NM_001352775.2 and 3 more transcripts); short protein forms I569F.
Identifiers: ClinVar variation 201827 (VCV000201827.10), dbSNP rs370101446, ClinGen allele CA308546.

ClinVar aggregate classification (germline): Uncertain significance. Review status: criteria provided, multiple submitters, no conflicts (2 of 4 stars). 3 submissions from 3 submitters: Uncertain significance (3). Last evaluated 2025-08-18.

Conditions:
Cardiovascular phenotype. Identifiers: MedGen CN230736.
Arrhythmogenic right ventricular dysplasia 12. Also called: ARRHYTHMOGENIC RIGHT VENTRICULAR DYSPLASIA, FAMILIAL, 12. Identifiers: MedGen C1969081, MONDO:0012684, OMIM 611528.
Naxos disease (NXD). Also called: KERATOSIS PALMOPLANTARIS WITH ARRHYTHMOGENIC CARDIOMYOPATHY; MAL DE NAXOS; PALMOPLANTAR KERATODERMA WITH ARRHYTHMOGENIC RIGHT VENTRICULAR CARDIOMYOPATHY AND WOOLLY HAIR; WOOLLY HAIR, PALMOPLANTAR KERATODERMA, AND CARDIAC ABNORMALITIES; CARDIOMYOPATHY, ARRHYTHMOGENIC RIGHT VENTRICULAR, WITH SKIN, HAIR, AND NAIL ABNORMALITIES. Identifiers: Orphanet 34217, MedGen C1832600, MONDO:0011017, OMIM 601214.

Allele frequency attached by ClinVar (database versions not stated): gnomAD exomes below 0.00001 and 0.00001; ExAC 0.00001; ESP Exome Variant Server 0.00008.
gnomAD v4.1: 10 of 1,614,132 alleles (0.00062%); highest among the groups gnomAD compares: Non-Finnish European, 0.00085%; no homozygotes.

Submissions (3):

Labcorp Genetics (formerly Invitae), Labcorp
Classification: Uncertain significance for Arrhythmogenic right ventricular dysplasia 12; Naxos disease. Last evaluated: 2025-08-18. Review status: criteria provided, single submitter. Criteria: Invitae Variant Classification Sherloc (09022015). Collection method: clinical testing. Allele origin: germline.
Comment: This sequence change replaces isoleucine, which is neutral and non-polar, with phenylalanine, which is neutral and non-polar, at codon 569 of the JUP protein (p.Ile569Phe). This variant is present in population databases (rs370101446, gnomAD 0.0009%). This variant has not been reported in the literature in individuals affected with JUP-related conditions. ClinVar contains an entry for this variant (Variation ID: 201827). An algorithm developed to predict the effect of missense changes on protein structure and function (PolyPhen-2) suggests that this variant is likely to be disruptive. In summary, the available evidence is currently insufficient to determine the role of this variant in disease. Therefore, it has been classified as a Variant of Uncertain Significance.

Ambry Genetics
Classification: Uncertain significance for Cardiovascular phenotype. Last evaluated: 2023-10-05. Review status: criteria provided, single submitter. Criteria: Ambry Variant Classification Scheme 2023. Collection method: clinical testing. Allele origin: germline.
Comment: The p.I569F variant (also known as c.1705A>T), located in coding exon 9 of the JUP gene, results from an A to T substitution at nucleotide position 1705. The isoleucine at codon 569 is replaced by phenylalanine, an amino acid with highly similar properties. This amino acid position is highly conserved in available vertebrate species. In addition, this alteration is predicted to be deleterious by in silico analysis. Since supporting evidence is limited at this time, the clinical significance of this alteration remains unclear.

GeneDx
Classification: Uncertain significance. Last evaluated: 2019-12-13. Review status: criteria provided, single submitter. Criteria: GeneDx Variant Classification Process June 2021. Collection method: clinical testing. Allele origin: germline. Affected: yes.
Comment: Has not been previously published as pathogenic or benign to our knowledge; Not observed at a significant frequency in large population cohorts (Lek et al., 2016); In silico analysis, which includes protein predictors and evolutionary conservation, supports a deleterious effect